The following is an entry in ClinVar:

NM_004453.4(ETFDH):c.1286-15T>A

Gene: ETFDH (electron transfer flavoprotein dehydrogenase; plus strand). Cytogenetic location: 4q32.1.
Variant type: single nucleotide variant.
Coding change: c.1286-15T>A on transcript NM_004453.4 (MANE Select); 15 bases into the intron before coding-DNA position 1286, T replaced by A.
Molecular consequence: intron variant.
Genome position (GRCh38, 1-based): chr4:158,706,174, T>A. VCF-style: chr4-158706174-T-A. GRCh37 (hg19) VCF-style: chr4-159627326-T-A.
Other names: c.1145-15T>A (NM_001281737.2); c.1103-15T>A (NM_001281738.1).
Identifiers: ClinVar variation 1382732 (VCV001382732.7), dbSNP rs1248795834, ClinGen allele CA913185942.

ClinVar aggregate classification (germline): Uncertain significance (1 of 4 stars; one submission).

Conditions:
Multiple acyl-CoA dehydrogenase deficiency (MADD). Also called: Glutaric acidemia type II; GA 2; Glutaric Acidemia type 2; Glutaric aciduria, type 2; ETHYLMALONIC-ADIPICACIDURIA; GA II. Identifiers: Orphanet 26791, MedGen C0268596, MONDO:0009282, OMIM 231680.

gnomAD v4.1: 4 of 1,579,420 alleles (0.00025%); highest among the groups gnomAD compares: Non-Finnish European, 0.00035%; no homozygotes.

Submission:

Labcorp Genetics (formerly Invitae), Labcorp
Classification: Uncertain significance for Multiple acyl-CoA dehydrogenase deficiency. Last evaluated: 2024-03-25. Review status: criteria provided, single submitter. Criteria: Invitae Variant Classification Sherloc (09022015). Collection method: clinical testing. Allele origin: germline.
Comment: This sequence change falls in intron 10 of the ETFDH gene. It does not directly change the encoded amino acid sequence of the ETFDH protein. This variant is not present in population databases (gnomAD no frequency). This variant has been observed in individual(s) with glutaric acidemia type II (Invitae). ClinVar contains an entry for this variant (Variation ID: 1382732). Algorithms developed to predict the effect of sequence changes on RNA splicing suggest that this variant may disrupt the consensus splice site. In summary, the available evidence is currently insufficient to determine the role of this variant in disease. Therefore, it has been classified as a Variant of Uncertain Significance.